The following is an entry in ClinVar:

ClinVar aggregate classification (germline): Uncertain significance. Review status: criteria provided, multiple submitters, no conflicts (2 of 4 stars). 3 submissions from 3 submitters: Uncertain significance (3). Last evaluated 2025-08-26.

Conditions:
Inborn genetic diseases. Identifiers: MedGen C0950123, MeSH D030342.

Allele frequency attached by ClinVar (database versions not stated): gnomAD 0.00001; gnomAD exomes 0.00001; TOPMed 0.00001; ExAC 0.00002; ESP Exome Variant Server 0.00008; 1000 Genomes Project 30x 0.00016; 1000 Genomes Project 0.00020.
gnomAD v4.1: 22 of 1,608,694 alleles (0.0014%); highest among the groups gnomAD compares: Admixed American, 0.005%; no homozygotes.

Submissions (3):

Ambry Genetics
Classification: Uncertain significance for Inborn genetic diseases. Last evaluated: 2025-08-26. Review status: criteria provided, single submitter. Criteria: Ambry Variant Classification Scheme 2023. Collection method: clinical testing. Allele origin: germline.

Labcorp Genetics (formerly Invitae), Labcorp
Classification: Uncertain significance. Last evaluated: 2025-04-13. Review status: criteria provided, single submitter. Criteria: Invitae Variant Classification Sherloc (09022015). Collection method: clinical testing. Allele origin: germline.
Comment: This sequence change replaces serine, which is neutral and polar, with asparagine, which is neutral and polar, at codon 1138 of the MYH3 protein (p.Ser1138Asn). This variant is present in population databases (rs142687423, gnomAD 0.01%). This variant has not been reported in the literature in individuals affected with MYH3-related conditions. ClinVar contains an entry for this variant (Variation ID: 2070711). Invitae Evidence Modeling of protein sequence and biophysical properties (such as structural, functional, and spatial information, amino acid conservation, physicochemical variation, residue mobility, and thermodynamic stability) indicates that this missense variant is not expected to disrupt MYH3 protein function with a negative predictive value of 95%. In summary, the available evidence is currently insufficient to determine the role of this variant in disease. Therefore, it has been classified as a Variant of Uncertain Significance.

Women's Health and Genetics/Laboratory Corporation of America, LabCorp
Classification: Uncertain significance. Last evaluated: 2023-07-19. Review status: criteria provided, single submitter. Criteria: LabCorp Variant Classification Summary - May 2015. Collection method: clinical testing. Allele origin: germline.
Comment: Variant summary: MYH3 c.3413G>A (p.Ser1138Asn) results in a conservative amino acid change located in the Myosin tail (IPR002928) of the encoded protein sequence. Five of five in-silico tools predict a benign effect of the variant on protein function. The variant allele was found at a frequency of 2.4e-05 in 246954 control chromosomes. The available data on variant occurrences in the general population are insufficient to allow any conclusion about variant significance. To our knowledge, no occurrence of c.3413G>A in individuals affected with MYH3-Related Disorders and no experimental evidence demonstrating its impact on protein function have been reported. One submitter has cited clinical-significance assessments for this variant to ClinVar after 2014 and has classified the variant as uncertain significance. Based on the evidence outlined above, the variant was classified as uncertain significance.

NM_002470.4(MYH3):c.3413G>A (p.Ser1138Asn)

Gene: MYH3 (myosin heavy chain 3; minus strand). Cytogenetic location: 17p13.1.
Variant type: single nucleotide variant.
Coding change: c.3413G>A on transcript NM_002470.4 (MANE Select); coding-DNA position 3413, G replaced by A.
Protein change: p.Ser1138Asn; replaces serine 1138 with asparagine.
Molecular consequence: missense variant.
Genome position (GRCh38, 1-based): chr17:10,638,359, C>T on the plus strand (G>A on the coding strand, the complement: MYH3 is on the minus strand). VCF-style: chr17-10638359-C-T. GRCh37 (hg19) VCF-style: chr17-10541676-C-T.
Other names: c.3413G>A (NM_002470.3); short protein forms S1138N.
Identifiers: ClinVar variation 2070711 (VCV002070711.6), dbSNP rs142687423, ClinGen allele CA8392523.